The following is an entry in ClinVar:

NM_004714.3(DYRK1B):c.192T>C (p.Tyr64=)

Gene: DYRK1B (dual specificity tyrosine phosphorylation regulated kinase 1B; minus strand). Cytogenetic location: 19q13.2.
Variant type: single nucleotide variant.
Coding change: c.192T>C on transcript NM_004714.3 (MANE Select); coding-DNA position 192, T replaced by C.
Protein change: p.Tyr64=; no amino-acid change (tyrosine 64 retained).
Molecular consequence: synonymous variant.
Genome position (GRCh38, 1-based): chr19:39,830,555, A>G on the plus strand (T>C on the coding strand, the complement: DYRK1B is on the minus strand). VCF-style: chr19-39830555-A-G. GRCh37 (hg19) VCF-style: chr19-40321195-A-G.
Other names: c.192T>C, p.Tyr64= (NM_006483.3, NM_006484.3).
Identifiers: ClinVar variation 3048821 (VCV003048821.2), dbSNP rs543090482, ClinGen allele CA308300388.

ClinVar aggregate classification (germline): Likely benign (0 of 4 stars; one submission).

Conditions:
DYRK1B-related disorder. Also called: DYRK1B-related condition.

Allele frequency attached by ClinVar (database versions not stated): gnomAD 0.00001; gnomAD exomes 0.00001.
gnomAD v4.1: 14 of 1,613,964 alleles (0.00087%); highest among the groups gnomAD compares: South Asian, 0.0077%; no homozygotes.

Submission:

PreventionGenetics, part of Exact Sciences
Classification: Likely benign for DYRK1B-related condition. Last evaluated: 2021-07-05. Review status: no assertion criteria provided. Collection method: clinical testing. Allele origin: germline.
Comment: This variant is classified as likely benign based on ACMG/AMP sequence variant interpretation guidelines (Richards et al. 2015 PMID: 25741868, with internal and published modifications).